The following is an entry in ClinVar:

NM_016653.3(MAP3K20):c.2347G>A (p.Ala783Thr)

Genes: MAP3K20 (mitogen-activated protein kinase kinase kinase 20; plus strand), MAP3K20-AS1 (MAP3K20 antisense RNA 1; minus strand). Cytogenetic location: 2q31.1.
Variant type: single nucleotide variant.
Coding change: c.2347G>A on transcript NM_016653.3 (MANE Select); coding-DNA position 2347, G replaced by A.
Protein change: p.Ala783Thr; replaces alanine 783 with threonine.
Molecular consequence: missense variant.
Genome position (GRCh38, 1-based): chr2:173,266,694, G>A. VCF-style: chr2-173266694-G-A. GRCh37 (hg19) VCF-style: chr2-174131422-G-A.
Other names: short protein forms A783T.
Identifiers: ClinVar variation 2414943 (VCV002414943.2), dbSNP rs768503188, ClinGen allele CA1971084.

ClinVar aggregate classification (germline): Uncertain significance (1 of 4 stars; one submission).

Allele frequency attached by ClinVar (database versions not stated): gnomAD 0.00001; ExAC 0.00007.
gnomAD v4.1: 18 of 1,591,856 alleles (0.0011%); highest among the groups gnomAD compares: Middle Eastern, 0.017%; no homozygotes.

Submission:

Labcorp Genetics (formerly Invitae), Labcorp
Classification: Uncertain significance. Last evaluated: 2022-04-10. Review status: criteria provided, single submitter. Criteria: Invitae Variant Classification Sherloc (09022015). Collection method: clinical testing. Allele origin: germline.
Comment: This sequence change replaces alanine, which is neutral and non-polar, with threonine, which is neutral and polar, at codon 783 of the MAP3K20 protein (p.Ala783Thr). The frequency data for this variant in the population databases is considered unreliable, as metrics indicate poor data quality at this position in the gnomAD database. This variant has not been reported in the literature in individuals affected with MAP3K20-related conditions. Experimental studies and prediction algorithms are not available or were not evaluated, and the functional significance of this variant is currently unknown. In summary, the available evidence is currently insufficient to determine the role of this variant in disease. Therefore, it has been classified as a Variant of Uncertain Significance.